The following is an entry in ClinVar:

NM_018706.7(DHTKD1):c.934G>A (p.Asp312Asn)

Gene: DHTKD1 (dehydrogenase E1 and transketolase domain containing 1; plus strand). Cytogenetic location: 10p14.
Variant type: single nucleotide variant.
Coding change: c.934G>A on transcript NM_018706.7 (MANE Select); coding-DNA position 934, G replaced by A.
Protein change: p.Asp312Asn; replaces aspartic acid 312 with asparagine.
Molecular consequence: missense variant.
Genome position (GRCh38, 1-based): chr10:12,089,202, G>A. VCF-style: chr10-12089202-G-A. GRCh37 (hg19) VCF-style: chr10-12131201-G-A.
Other names: short protein forms D312N.
Identifiers: ClinVar variation 2158718 (VCV002158718.4), dbSNP rs775089419, ClinGen allele CA5407687.

ClinVar aggregate classification (germline): Uncertain significance (1 of 4 stars; one submission).

Conditions:
2-aminoadipic 2-oxoadipic aciduria (AAKAD). Also called: ALPHA-AMINOADIPIC AND ALPHA-KETOADIPIC ACIDURIA; Aminoadipic aciduria. Identifiers: Orphanet 79154, MedGen C1859817, MONDO:0008774, OMIM 204750.

Allele frequency attached by ClinVar (database versions not stated): gnomAD 0.00001; gnomAD exomes 0.00002; ExAC 0.00005.
gnomAD v4.1: 34 of 1,614,016 alleles (0.0021%); highest among the groups gnomAD compares: Middle Eastern, 0.033%; no homozygotes.

Submission:

Labcorp Genetics (formerly Invitae), Labcorp
Classification: Uncertain significance for 2-aminoadipic 2-oxoadipic aciduria. Last evaluated: 2022-12-07. Review status: criteria provided, single submitter. Criteria: Invitae Variant Classification Sherloc (09022015). Collection method: clinical testing. Allele origin: germline.
Comment: Algorithms developed to predict the effect of missense changes on protein structure and function are either unavailable or do not agree on the potential impact of this missense change (SIFT: "Tolerated"; PolyPhen-2: "Probably Damaging"; Align-GVGD: "Class C0"). In summary, the available evidence is currently insufficient to determine the role of this variant in disease. Therefore, it has been classified as a Variant of Uncertain Significance. This variant has not been reported in the literature in individuals affected with DHTKD1-related conditions. This variant is present in population databases (rs775089419, gnomAD 0.04%). This sequence change replaces aspartic acid, which is acidic and polar, with asparagine, which is neutral and polar, at codon 312 of the DHTKD1 protein (p.Asp312Asn).